The following is an entry in ClinVar:

ClinVar aggregate classification (germline): Uncertain significance. Review status: criteria provided, multiple submitters, no conflicts (2 of 4 stars). 2 submissions from 2 submitters: Uncertain significance (2). Last evaluated 2026-09-11.

Conditions:
Inborn genetic diseases. Identifiers: MedGen C0950123, MeSH D030342.

Allele frequency attached by ClinVar (database versions not stated): gnomAD exomes below 0.00001; gnomAD 0.00001; TOPMed 0.00001.
gnomAD v4.1: 6 of 1,603,278 alleles (0.00037%); highest among the groups gnomAD compares: African/African-American, 0.0054%; no homozygotes.

Submissions (2):

GeneDx
Classification: Uncertain significance. Last evaluated: 2026-09-11. Review status: criteria provided, single submitter. Criteria: GeneDx Variant Classification Process June 2021. Collection method: clinical testing. Allele origin: germline.
Comment: In silico analysis indicates that this missense variant does not alter protein structure/function; Has not been previously published as pathogenic or benign to our knowledge

Ambry Genetics
Classification: Uncertain significance for Inborn genetic diseases. Last evaluated: 2021-07-07. Review status: criteria provided, single submitter. Criteria: Ambry Variant Classification Scheme 2023. Collection method: clinical testing. Allele origin: germline.
Comment: The p.T105M variant (also known as c.314C>T), located in coding exon 4 of the ATR gene, results from a C to T substitution at nucleotide position 314. The threonine at codon 105 is replaced by methionine, an amino acid with similar properties. This amino acid position is conserved. In addition, this alteration is predicted to be tolerated by in silico analysis. Since supporting evidence is limited at this time, the clinical significance of this alteration remains unclear.

NM_001184.4(ATR):c.314C>T (p.Thr105Met)

Gene: ATR (ATR checkpoint kinase; minus strand). Cytogenetic location: 3q23.
Variant type: single nucleotide variant.
Coding change: c.314C>T on transcript NM_001184.4 (MANE Select); coding-DNA position 314, C replaced by T.
Protein change: p.Thr105Met; replaces threonine 105 with methionine.
Molecular consequence: missense variant.
Genome position (GRCh38, 1-based): chr3:142,563,088, G>A on the plus strand (C>T on the coding strand, the complement: ATR is on the minus strand). VCF-style: chr3-142563088-G-A. GRCh37 (hg19) VCF-style: chr3-142281930-G-A.
Other names: c.314C>T, p.Thr105Met (NM_001354579.2); short protein forms T105M.
Identifiers: ClinVar variation 1728167 (VCV001728167.4), dbSNP rs374764228, ClinGen allele CA2650788.